The following is an entry in ClinVar:

NM_000219.6(KCNE1):c.99G>T (p.Arg33Ser)

Gene: KCNE1 (potassium voltage-gated channel subfamily E regulatory subunit 1; minus strand). Cytogenetic location: 21q22.12.
Variant type: single nucleotide variant.
Coding change: c.99G>T on transcript NM_000219.6 (MANE Select); coding-DNA position 99, G replaced by T.
Protein change: p.Arg33Ser; replaces arginine 33 with serine.
Molecular consequence: missense variant.
Genome position (GRCh38, 1-based): chr21:34,449,536, C>A on the plus strand (G>T on the coding strand, the complement: KCNE1 is on the minus strand). VCF-style: chr21-34449536-C-A. GRCh37 (hg19) VCF-style: chr21-35821834-C-A.
Other names: c.99G>T, p.Arg33Ser (NM_001127668.4, NM_001127669.4, NM_001127670.4 and 4 more transcripts); short protein forms R33S.
Identifiers: ClinVar variation 3014399 (VCV003014399.6), dbSNP rs771964597, ClinGen allele CA320425490.

ClinVar aggregate classification (germline): Uncertain significance. Review status: criteria provided, multiple submitters, no conflicts (2 of 4 stars). 2 submissions from 2 submitters: Uncertain significance (2). Last evaluated 2024-01-15.

Conditions:
Long QT syndrome (LQTS). Identifiers: MedGen C0023976, MeSH D008133, MONDO:0002442. Disease mechanism: loss of function. Inheritance: Various modes of inheritance.
Cardiovascular phenotype. Identifiers: MedGen CN230736.

Allele frequency attached by ClinVar (database versions not stated): ExAC 0.00001.

Submissions (3):

Labcorp Genetics (formerly Invitae), Labcorp
Classification: Uncertain significance for Long QT syndrome. Last evaluated: 2024-01-15. Review status: criteria provided, single submitter. Criteria: Invitae Variant Classification Sherloc (09022015). Collection method: clinical testing. Allele origin: germline.
Comment: This sequence change replaces arginine, which is basic and polar, with serine, which is neutral and polar, at codon 33 of the KCNE1 protein (p.Arg33Ser). This variant is present in population databases (rs771964597, gnomAD 0.002%). This variant has not been reported in the literature in individuals affected with KCNE1-related conditions. Advanced modeling of protein sequence and biophysical properties (such as structural, functional, and spatial information, amino acid conservation, physicochemical variation, residue mobility, and thermodynamic stability) has been performed at Invitae for this missense variant, however the output from this modeling did not meet the statistical confidence thresholds required to predict the impact of this variant on KCNE1 protein function. In summary, the available evidence is currently insufficient to determine the role of this variant in disease. Therefore, it has been classified as a Variant of Uncertain Significance.

Ambry Genetics
Classification: Uncertain significance for Cardiovascular phenotype. Last evaluated: 2023-10-03. Review status: criteria provided, single submitter. Criteria: Ambry Variant Classification Scheme 2023. Collection method: clinical testing. Allele origin: germline.
Comment: The p.R33S variant (also known as c.99G>T), located in coding exon 1 of the KCNE1 gene, results from a G to T substitution at nucleotide position 99. The arginine at codon 33 is replaced by serine, an amino acid with dissimilar properties. This amino acid position is not well conserved in available vertebrate species. In addition, this alteration is predicted to be tolerated by in silico analysis. Since supporting evidence is limited at this time, the clinical significance of this alteration remains unclear.

Roden Lab, Vanderbilt University Medical Center
No classification provided (evidence only). Condition: Long QT syndrome 5. Review status: no classification provided. Collection method: in vitro. Allele origin: not applicable. Functional consequence: Effect on ion channel function. Not counted in ClinVar's aggregate classification.
ClinVar note: "not provided" was previously submitted as the classification for the variant. However, the classification appeared to be based only on an observation of functional data so it was converted to no classification on 2025-07-30.